The following is an entry in ClinVar:

ClinVar aggregate classification (germline): Benign/Likely benign. Review status: criteria provided, multiple submitters, no conflicts (2 of 4 stars). 4 submissions from 4 submitters: Benign (3); Likely benign (1). Last evaluated 2026-02-03.

Allele frequency attached by ClinVar (database versions not stated): gnomAD exomes 0.00083 and 0.00236; ExAC 0.00263; gnomAD 0.00750 and 0.00790; TOPMed 0.00804; 1000 Genomes Project 0.00899; ESP Exome Variant Server 0.00969; 1000 Genomes Project 30x 0.00999.
gnomAD v4.1: 2,368 of 1,560,800 alleles (0.15%); highest among the groups gnomAD compares: African/African-American, 2.5%; 23 homozygotes.

Submissions (4):

Labcorp Genetics (formerly Invitae), Labcorp
Classification: Benign. Last evaluated: 2026-02-03. Review status: criteria provided, single submitter. Criteria: Invitae Variant Classification Sherloc (09022015). Collection method: clinical testing. Allele origin: germline.

Molecular Diagnostic Laboratory for Inherited Cardiovascular Disease, Montreal Heart Institute
Classification: Likely benign. Last evaluated: 2025-07-24. Review status: criteria provided, single submitter. Criteria: ACMG Guidelines, 2015. Collection method: clinical testing. Allele origin: germline. Affected: no.
Comment: BS1, BP4

Mayo Clinic Laboratories, Mayo Clinic
Classification: Benign. Last evaluated: 2023-10-30. Review status: criteria provided, single submitter. Criteria: ACMG Guidelines, 2015. Collection method: clinical testing. Allele origin: germline. Observed: 6 variant alleles.
Comment: BS1, BS2, BP4

Breakthrough Genomics
Classification: Benign. Review status: criteria provided, single submitter. Criteria: ACMG Guidelines, 2015. Collection method: not provided. Allele origin: germline. Inheritance: Autosomal recessive inheritance. Affected: yes.

NM_001792.5(CDH2):c.61G>A (p.Ala21Thr)

Gene: CDH2 (cadherin 2; minus strand). Cytogenetic location: 18q12.1.
Variant type: single nucleotide variant.
Coding change: c.61G>A on transcript NM_001792.5 (MANE Select); coding-DNA position 61, G replaced by A.
Protein change: p.Ala21Thr; replaces alanine 21 with threonine.
Molecular consequence: missense variant.
Genome position (GRCh38, 1-based): chr18:28,147,784, C>T on the plus strand (G>A on the coding strand, the complement: CDH2 is on the minus strand). VCF-style: chr18-28147784-C-T. GRCh37 (hg19) VCF-style: chr18-25727748-C-T.
Other names: p.Ala21Thr; short protein forms A21T.
Identifiers: ClinVar variation 1531851 (VCV001531851.11), dbSNP rs17495042, ClinGen allele CA8923844.